The following is an entry in ClinVar:

ClinVar aggregate classification (germline): Pathogenic. Review status: criteria provided, multiple submitters, no conflicts (2 of 4 stars). 2 submissions from 2 submitters: Pathogenic (2). Last evaluated 2025-09-08.

Conditions:
Inborn genetic diseases. Identifiers: MedGen C0950123, MeSH D030342.
Nail-patella syndrome (NPS). Also called: FONG DISEASE; ONYCHOOSTEODYSPLASIA; TURNER-KIESER SYNDROME. Identifiers: Orphanet 2614, MedGen C0027341, MONDO:0008061, OMIM 161200.

Submissions (2):

Ambry Genetics
Classification: Pathogenic for Inborn genetic diseases. Last evaluated: 2025-09-08. Review status: criteria provided, single submitter. Criteria: Ambry Variant Classification Scheme 2023. Collection method: clinical testing. Allele origin: germline.
Comment: The c.259C>T (p.Q87*) alteration, located in exon 2 (coding exon 2) of the LMX1B gene, consists of a C to T substitution at nucleotide position 259. This changes the amino acid from a glutamine (Q) to a stop codon at amino acid position 87. This alteration is expected to result in loss of function by premature protein truncation or nonsense-mediated mRNA decay. for nail patella syndrome; however, its clinical significance for LMX1B-related focal segmental glomerulosclerosis is uncertain. This variant was not reported in population-based cohorts in the Genome Aggregation Database (gnomAD). This variant was reported in individuals with nail patella syndrome (Clough, 1999; L&oacute;pez-Arvizu, 2011; Ghoumid, 2016). Note, this variant is also referred to as c.190C>T (p.Q64*) in the literature. Based on the available evidence, this alteration is classified as pathogenic.

Institute of Human Genetics, University of Goettingen
Classification: Pathogenic for Nail-patella syndrome. Last evaluated: 2023-05-19. Review status: criteria provided, single submitter. Criteria: ACMG Guidelines, 2015. Collection method: clinical testing. Allele origin: unknown. Inheritance: Autosomal dominant inheritance. Affected: yes.

Literature cited by the submitters: PubMed 10571942 (cited by Ambry Genetics and Institute of Human Genetics, University of Goettingen); PubMed 21184584 (cited by Ambry Genetics); PubMed 25898926 (cited by Ambry Genetics); PubMed 25525159 (cited by Institute of Human Genetics, University of Goettingen).

NM_001174147.2(LMX1B):c.259C>T (p.Gln87Ter)

Gene: LMX1B (LIM homeobox transcription factor 1 beta; plus strand). Cytogenetic location: 9q33.3.
Variant type: single nucleotide variant.
Coding change: c.259C>T on transcript NM_001174147.2 (MANE Select); coding-DNA position 259, C replaced by T.
Protein change: p.Gln87Ter; replaces glutamine 87 with a stop codon.
Molecular consequence: nonsense.
Genome position (GRCh38, 1-based): chr9:126,615,502, C>T. VCF-style: chr9-126615502-C-T. GRCh37 (hg19) VCF-style: chr9-129377781-C-T.
Other names: c.259C>T, p.Gln87Ter (NM_001174146.2, NM_002316.4); c.259C>T (NM_002316.3); short protein forms Q87*.
Identifiers: ClinVar variation 2502373 (VCV002502373.3), dbSNP rs2490518285, ClinGen allele CA374910103.